The following is an entry in ClinVar:

NM_022124.6(CDH23):c.227G>A (p.Arg76His)

Genes: CDH23 (cadherin related 23; plus strand), CDH23-AS1 (CDH23 antisense RNA 1; minus strand). Cytogenetic location: 10q22.1.
Variant type: single nucleotide variant.
Coding change: c.227G>A on transcript NM_022124.6 (MANE Select); coding-DNA position 227, G replaced by A.
Protein change: p.Arg76His; replaces arginine 76 with histidine.
Molecular consequence: missense variant.
Genome position (GRCh38, 1-based): chr10:71,510,163, G>A. VCF-style: chr10-71510163-G-A. GRCh37 (hg19) VCF-style: chr10-73269920-G-A.
Other names: c.227G>A, p.Arg76His (NM_001171930.2, NM_001171931.2, NM_001171932.2 and 1 more transcripts); short protein forms R76H.
Identifiers: ClinVar variation 1308098 (VCV001308098.4), dbSNP rs373802615, ClinGen allele CA5543326.
Genomic context (GRCh38, chr10:71,510,163, plus strand): 5'-TGGCCCAAGACATGGACAATGACCCCCTGGTGTTTGGCGTGTCTGGGGAGGAGGCCTCTC[G>A]CTTCTTTGCAGTGGAGCCTGACACTGGCGTGGTGTGGCTCCGGCAGCCACTGGACAGAGA-3'
Protein context (NP_071407.4, residues 66-86): VFGVSGEEAS[Arg76His]FFAVEPDTGV

ClinVar aggregate classification (germline): Uncertain significance. Review status: criteria provided, multiple submitters, no conflicts (2 of 4 stars). 3 submissions from 3 submitters: Uncertain significance (3). Last evaluated 2022-01-31.

Conditions:
Usher syndrome type 1D (USH1D). Also called: USHER SYNDROME, TYPE ID. Identifiers: Orphanet 231169, Orphanet 886, MedGen C1832845, MONDO:0010984, OMIM 601067.
Autosomal recessive nonsyndromic hearing loss 12. Also called: DEAFNESS, AUTOSOMAL RECESSIVE 12. Identifiers: Orphanet 90636, MedGen C1832394, MONDO:0011067, OMIM 601386.
Pituitary adenoma 5, multiple types. Identifiers: MedGen C4539685, MONDO:0054601, OMIM 617540.

Allele frequency attached by ClinVar (database versions not stated): TOPMed 0.00002; gnomAD 0.00003.
gnomAD v4.1: 29 of 1,613,840 alleles (0.0018%); highest among the groups gnomAD compares: African/African-American, 0.004%; no homozygotes.

Submissions (3):

Labcorp Genetics (formerly Invitae), Labcorp
Classification: Uncertain significance. Last evaluated: 2022-01-31. Review status: criteria provided, single submitter. Criteria: Invitae Variant Classification Sherloc (09022015). Collection method: clinical testing. Allele origin: germline.
Comment: This sequence change replaces arginine, which is basic and polar, with histidine, which is basic and polar, at codon 76 of the CDH23 protein (p.Arg76His). This variant is present in population databases (rs373802615, gnomAD 0.004%). This variant has not been reported in the literature in individuals affected with CDH23-related conditions. ClinVar contains an entry for this variant (Variation ID: 1308098). Algorithms developed to predict the effect of missense changes on protein structure and function are either unavailable or do not agree on the potential impact of this missense change (SIFT: "Deleterious"; PolyPhen-2: "Not Available"; Align-GVGD: "Class C0"). In summary, the available evidence is currently insufficient to determine the role of this variant in disease. Therefore, it has been classified as a Variant of Uncertain Significance.

Fulgent Genetics
Classification: Uncertain significance for Usher syndrome type 1D; Autosomal recessive nonsyndromic hearing loss 12; Pituitary adenoma 5, multiple types. Last evaluated: 2021-08-06. Review status: criteria provided, single submitter. Criteria: ACMG Guidelines, 2015. Collection method: clinical testing. Allele origin: unknown.

GeneDx
Classification: Uncertain significance. Last evaluated: 2019-03-26. Review status: criteria provided, single submitter. Criteria: GeneDx Variant Classification Process June 2021. Collection method: clinical testing. Allele origin: germline. Affected: yes.
Comment: Not observed at a significant frequency in large population cohorts (Lek et al., 2016); In silico analysis, which includes protein predictors and evolutionary conservation, supports that this variant does not alter protein structure/function; Has not been previously published as pathogenic or benign to our knowledge